The following is an entry in ClinVar:

ClinVar aggregate classification (germline): Likely benign. Review status: criteria provided, multiple submitters, no conflicts (2 of 4 stars). 4 submissions from 4 submitters: Likely benign (4). Last evaluated 2026-04-06.

Conditions:
Agammaglobulinemia 2, autosomal recessive (AGM2). Also called: AGAMMAGLOBULINEMIA, AUTOSOMAL RECESSIVE, DUE TO IGLL1 DEFECT. Identifiers: MedGen C3150750, MONDO:0013287, OMIM 613500.

Allele frequency attached by ClinVar (database versions not stated): gnomAD exomes 0.00080 and 0.00132; ESP Exome Variant Server 0.00085; ExAC 0.00087; 1000 Genomes Project 30x 0.00094; 1000 Genomes Project 0.00100; gnomAD 0.00113 and 0.00115; TOPMed 0.00113.
gnomAD v4.1: 2,167 of 1,613,226 alleles (0.13%); highest among the groups gnomAD compares: Non-Finnish European, 0.15%; 3 homozygotes.

Submissions (4):

Women's Health and Genetics/Laboratory Corporation of America, LabCorp
Classification: Likely benign. Last evaluated: 2026-04-06. Review status: criteria provided, single submitter. Criteria: LabCorp Variant Classification Summary - May 2015. Collection method: clinical testing. Allele origin: germline.

CeGaT Center for Human Genetics Tuebingen
Classification: Likely benign. Last evaluated: 2026-02-01. Review status: criteria provided, single submitter. Criteria: CeGaT Center For Human Genetics Tuebingen Variant Classification Criteria Version 2. Collection method: clinical testing. Allele origin: germline. Affected: yes. Observed: 1 variant allele.
Comment: IGLL1: BP4

Labcorp Genetics (formerly Invitae), Labcorp
Classification: Likely benign for Agammaglobulinemia 2, autosomal recessive. Last evaluated: 2026-02-01. Review status: criteria provided, single submitter. Criteria: Invitae Variant Classification Sherloc (09022015). Collection method: clinical testing. Allele origin: germline.

Blueprint Genetics
Classification: Likely benign. Last evaluated: 2024-11-23. Review status: criteria provided, single submitter. Criteria: ACMG Guidelines, 2015. Collection method: clinical testing. Allele origin: germline.

NM_020070.4(IGLL1):c.336C>T (p.Ala112=)

Gene: IGLL1 (immunoglobulin lambda like polypeptide 1; minus strand). Cytogenetic location: 22q11.23.
Variant type: single nucleotide variant.
Coding change: c.336C>T on transcript NM_020070.4 (MANE Select); coding-DNA position 336, C replaced by T.
Protein change: p.Ala112=; no amino-acid change (alanine 112 retained).
Molecular consequence: synonymous variant. On other transcripts: missense variant (1).
Genome position (GRCh38, 1-based): chr22:23,573,572, G>A on the plus strand (C>T on the coding strand, the complement: IGLL1 is on the minus strand). VCF-style: chr22-23573572-G-A. GRCh37 (hg19) VCF-style: chr22-23915759-G-A.
Other names: c.339C>T, p.Ala113= (NM_001369906.1); c.220C>T, p.His74Tyr (NM_152855.3); short protein forms H74Y.
Identifiers: ClinVar variation 538833 (VCV000538833.18), dbSNP rs140494226, ClinGen allele CA10143307.